The following is an entry in ClinVar:

ClinVar aggregate classification (germline): Conflicting classifications of pathogenicity. Review status: criteria provided, conflicting classifications (1 of 4 stars). 9 submissions from 9 submitters: Uncertain significance (8); Likely benign (1). Last evaluated 2025-12-23.

Conditions:
Cardiovascular phenotype. Identifiers: MedGen CN230736.
VCL-related disorder. Also called: VCL-related condition.
Hypertrophic cardiomyopathy 15. Identifiers: MedGen C2750459, MONDO:0013200, OMIM 613255.
Dilated cardiomyopathy 1W (CMD1W). Identifiers: Orphanet 154, MedGen C1969639, MONDO:0012667, OMIM 611407.
Cardiomyopathy (CMYO). Also called: Cardiomyopathies. Identifiers: Orphanet 167848, MedGen C0878544, MONDO:0004994, HP:0001638. Inheritance: Various modes of inheritance.
Primary dilated cardiomyopathy (DCM). Also called: Dilated Cardiomyopathy. Identifiers: Orphanet 217604, MedGen C0007193, MeSH D002311, MONDO:0005021, HP:0001644. Inheritance: Various modes of inheritance.
Hypertrophic cardiomyopathy. Also called: HYPERTROPHIC MYOCARDIOPATHY. Identifiers: Orphanet 217569, MedGen C0007194, MeSH D002312, MONDO:0005045, HP:0001639.

Allele frequency attached by ClinVar (database versions not stated): gnomAD 0.00004 and 0.00005; gnomAD exomes 0.00004 and 0.00006; ExAC 0.00007; TOPMed 0.00010.
gnomAD v4.1: 100 of 1,614,202 alleles (0.0062%); highest among the groups gnomAD compares: Middle Eastern, 0.15%; no homozygotes.

Submissions (10):

PreventionGenetics, part of Exact Sciences
Classification: Uncertain significance for VCL-related condition. Last evaluated: 2025-12-23. Review status: criteria provided, single submitter. Criteria: ACMG Guidelines, 2015. Collection method: clinical testing. Allele origin: germline.
Comment: The VCL c.2046A>T variant is predicted to result in the amino acid substitution p.Leu682Phe. This variant has been reported in individuals with cardiomyopathy; however, clinical correlation supporting pathogenicity was not provided and variants in other cardiac genes were also reported (Sanchez et al. 2016. PubMed ID: 27930701; Table S2, Mademont-Soler et al. 2017. PubMed ID: 28771489; supplementary file 2, van Lint et al. 2019. PubMed ID: 30847666; Jaouadi et al. 2020. PubMed ID: 31970460). This variant is reported in 0.0085% of alleles in individuals of European (non-Finnish) descent in gnomAD and is interpreted as uncertain by the majority of submitters in ClinVar (Variation ID: 166551). At this time, the clinical significance of this variant is uncertain due to the absence of conclusive functional and genetic evidence.

Labcorp Genetics (formerly Invitae), Labcorp
Classification: Uncertain significance for Dilated cardiomyopathy 1W. Last evaluated: 2025-01-29. Review status: criteria provided, single submitter. Criteria: Invitae Variant Classification Sherloc (09022015). Collection method: clinical testing. Allele origin: germline.
Comment: This sequence change replaces leucine, which is neutral and non-polar, with phenylalanine, which is neutral and non-polar, at codon 682 of the VCL protein (p.Leu682Phe). This variant is present in population databases (rs565398652, gnomAD 0.01%). This missense change has been observed in individual(s) with VCL-related conditions (PMID: 27930701, 30847666, 33012304). ClinVar contains an entry for this variant (Variation ID: 166551). An algorithm developed to predict the effect of missense changes on protein structure and function (PolyPhen-2) suggests that this variant is likely to be disruptive. Algorithms developed to predict the effect of sequence changes on RNA splicing suggest that this variant may create or strengthen a splice site. In summary, the available evidence is currently insufficient to determine the role of this variant in disease. Therefore, it has been classified as a Variant of Uncertain Significance.

GeneDx
Classification: Uncertain significance. Last evaluated: 2024-01-19. Review status: criteria provided, single submitter. Criteria: GeneDx Variant Classification Process June 2021. Collection method: clinical testing. Allele origin: germline. Affected: yes.
Comment: Identified in patients with cardiomyopathy and sudden cardiac death; however, several of these patients also harbor additional variants (PMID: 27930701, 30847666, 33012304, 31970460); At the protein level, in silico analysis supports that this missense variant does not alter protein structure/function; At the mRNA level, in silico analysis supports that this missense variant has a deleterious effect on protein structure/function; This variant is associated with the following publications: (PMID: 30847666, 33012304, 31970460, 27930701)

Molecular Genetics, Royal Melbourne Hospital
Classification: Likely benign for Primary dilated cardiomyopathy. Last evaluated: 2023-11-05. Review status: criteria provided, single submitter. Criteria: ACMG Guidelines, 2015. Collection method: clinical testing. Allele origin: germline. Inheritance: Autosomal dominant inheritance. Affected: yes.

Ambry Genetics
Classification: Uncertain significance for Cardiovascular phenotype. Last evaluated: 2023-06-22. Review status: criteria provided, single submitter. Criteria: Ambry Variant Classification Scheme 2023. Collection method: clinical testing. Allele origin: germline.
Comment: The p.L682F variant (also known as c.2046A>T), located in coding exon 15 of the VCL gene, results from an A to T substitution at nucleotide position 2046. The leucine at codon 682 is replaced by phenylalanine, an amino acid with highly similar properties. This variant has been reported in individuals with dilated cardiomyopathy (DCM) and hypertrophic cardiomyopathy (HCM), including individuals from cardiomyopathy, sudden death, and genetic testing cohorts; however, clinical details were limited, and additional cardiac variants were detected in some cases (Sanchez O et al. PLoS One, 2016 Dec;11:e0167358; Mademont-Soler I et al. PLoS One, 2017 Aug;12:e0181465; Robyns T et al. Eur J Hum Genet, 2017 12;25:1313-1323; van Lint FHM et al. Neth Heart J, 2019 Jun;27:304-309). This amino acid position is highly conserved in available vertebrate species. In addition, the in silico prediction for this alteration is inconclusive. Since supporting evidence is limited at this time, the clinical significance of this alteration remains unclear.

Fulgent Genetics
Classification: Uncertain significance for Dilated cardiomyopathy 1W; Hypertrophic cardiomyopathy 15. Last evaluated: 2021-09-08. Review status: criteria provided, single submitter. Criteria: ACMG Guidelines, 2015. Collection method: clinical testing. Allele origin: unknown.

CHEO Genetics Diagnostic Laboratory, Children's Hospital of Eastern Ontario
Classification: Uncertain significance for Cardiomyopathy. Last evaluated: 2017-10-03. Review status: criteria provided, single submitter. Criteria: ACMG Guidelines, 2015. Collection method: clinical testing. Allele origin: germline. Study: Canadian Open Genetics Repository.

Center for Human Genetics, University of Leuven
Classification: Uncertain significance for Hypertrophic cardiomyopathy. Last evaluated: 2017-02-09. Review status: criteria provided, single submitter. Criteria: ACMG Guidelines, 2015. Collection method: clinical testing. Allele origin: germline. Inheritance: Autosomal dominant inheritance. Affected: yes. Observed: 1 variant allele.
Comment: ACMG score unknown significance

Laboratory for Molecular Medicine, Mass General Brigham Personalized Medicine
Classification: Uncertain significance. Last evaluated: 2014-02-28. Review status: criteria provided, single submitter. Criteria: LMM Criteria. Collection method: clinical testing. Allele origin: germline. Observed: 1 variant allele.
Comment: The Leu682Phe variant in VCL has not been previously reported in individuals wit h cardiomyopathy or in large population studies. Computational prediction tools and conservation analysis do not provide strong support for or against an impact to the protein. Additional information is needed to fully assess the clinical s ignificance of the variant.

Dr. Peter K. Rogan Lab, Western University
No classification provided (evidence only). Condition: Colorectal cancer. Review status: no classification provided. Collection method: in vitro. Allele origin: not applicable. Functional consequence: retained intron. Not counted in ClinVar's aggregate classification.

Literature cited by the submitters: PubMed 27930701 (cited by Labcorp Genetics (formerly Invitae), Labcorp and Ambry Genetics); PubMed 30847666 (cited by Labcorp Genetics (formerly Invitae), Labcorp and Ambry Genetics); PubMed 33012304 (cited by Labcorp Genetics (formerly Invitae), Labcorp); PubMed 28771489 (cited by Ambry Genetics); PubMed 29255176 (cited by Ambry Genetics).

NM_014000.3(VCL):c.2046A>T (p.Leu682Phe)

Gene: VCL (vinculin; plus strand). Cytogenetic location: 10q22.2.
Variant type: single nucleotide variant.
Coding change: c.2046A>T on transcript NM_014000.3 (MANE Select); coding-DNA position 2046, A replaced by T.
Protein change: p.Leu682Phe; replaces leucine 682 with phenylalanine.
Molecular consequence: missense variant.
Genome position (GRCh38, 1-based): chr10:74,103,843, A>T. VCF-style: chr10-74103843-A-T. GRCh37 (hg19) VCF-style: chr10-75863601-A-T.
Other names: c.2046A>T, p.Leu682Phe (NM_003373.4); short protein forms L682F.
Identifiers: ClinVar variation 166551 (VCV000166551.27), dbSNP rs565398652, ClinGen allele CA179611.